The following is an entry in ClinVar:

NM_012309.5(SHANK2):c.1511G>A (p.Gly504Asp)

Gene: SHANK2 (SH3 and multiple ankyrin repeat domains 2; minus strand). Cytogenetic location: 11q13.4.
Variant type: single nucleotide variant.
Coding change: c.1511G>A on transcript NM_012309.5 (MANE Select); coding-DNA position 1511, G replaced by A.
Protein change: p.Gly504Asp; replaces glycine 504 with aspartic acid.
Molecular consequence: missense variant.
Genome position (GRCh38, 1-based): chr11:70,807,154, C>T on the plus strand (G>A on the coding strand, the complement: SHANK2 is on the minus strand). VCF-style: chr11-70807154-C-T. GRCh37 (hg19) VCF-style: chr11-70653259-C-T.
Other names: c.374G>A, p.Gly125Asp (NM_001379226.1); short protein forms G125D, G504D.
Identifiers: ClinVar variation 3056389 (VCV003056389.1), dbSNP rs2499620359, ClinGen allele CA381958443.

ClinVar aggregate classification (germline): Benign (1 of 4 stars; one submission).

Conditions:
SHANK2-related disorder.

Submission:

PreventionGenetics, part of Exact Sciences
Classification: Benign for SHANK2-related condition. Last evaluated: 2020-12-09. Review status: criteria provided, single submitter. Criteria: ACMG Guidelines, 2015. Collection method: clinical testing. Allele origin: germline.
Comment: This variant is classified as benign based on ACMG/AMP sequence variant interpretation guidelines (Richards et al. 2015 PMID: 25741868, with internal and published modifications).